The following is an entry in ClinVar:

NM_001999.4(FBN2):c.2812+182A>G

Gene: FBN2 (fibrillin 2; minus strand). Cytogenetic location: 5q23.3.
Variant type: single nucleotide variant.
Coding change: c.2812+182A>G on transcript NM_001999.4 (MANE Select); 182 bases into the intron after coding-DNA position 2812, A replaced by G.
Molecular consequence: intron variant.
Genome position (GRCh38, 1-based): chr5:128,350,686, T>C on the plus strand (A>G on the coding strand, the complement: FBN2 is on the minus strand). VCF-style: chr5-128350686-T-C. GRCh37 (hg19) VCF-style: chr5-127686378-T-C.
Identifiers: ClinVar variation 672317 (VCV000672317.1), dbSNP rs151987, ClinGen allele CA15380498.

ClinVar aggregate classification (germline): Benign (1 of 4 stars; one submission).

Allele frequency attached by ClinVar (database versions not stated): 1000 Genomes Project 0.23862; 1000 Genomes Project 30x 0.23938; gnomAD 0.29693 and 0.30133; TOPMed 0.30689.
gnomAD v4.1: 45,233 of 152,214 alleles (30%); highest among the groups gnomAD compares: Non-Finnish European, 35%; 7,101 homozygotes.

Submission:

GeneDx
Classification: Benign. Last evaluated: 2018-06-14. Review status: criteria provided, single submitter. Criteria: GeneDx Variant Classification (06012015). Collection method: clinical testing. Allele origin: germline. Affected: yes.
Comment: This variant is considered likely benign or benign based on one or more of the following criteria: it is a conservative change, it occurs at a poorly conserved position in the protein, it is predicted to be benign by multiple in silico algorithms, and/or has population frequency not consistent with disease.